The following is an entry in ClinVar:

NM_001330260.2(SCN8A):c.-70CGC[3]

Gene: SCN8A (sodium voltage-gated channel alpha subunit 8; plus strand). Cytogenetic location: 12q13.13.
Variant type: Microsatellite.
Coding change: c.-70CGC[3] on transcript NM_001330260.2 (MANE Select); three copies in a row of the 3-base unit CGC starting at c.-70; the reference has four copies in a row; one copy, 3 bases deleted.
Molecular consequence: 5 prime UTR variant.
Genome position (GRCh38, 1-based): chr12:51,591,353-51,591,355, CGC deleted; deleting any 3 consecutive bases within chr12:51,591,344-51,591,355 gives the same sequence; the position shown is the placement nearest the transcript's 3' end. VCF-style (leftmost placement, unchanged base first): chr12-51591343-TCGC-T. GRCh37 (hg19) VCF-style: chr12-51985127-TCGC-T.
Other names: c.-70CGC[3] (NM_001177984.3, NM_001369788.1, NM_014191.4).
Identifiers: ClinVar variation 3029905 (VCV003029905.2), dbSNP rs1939211278, ClinGen allele CA2036112412.

ClinVar aggregate classification (germline): Likely benign (0 of 4 stars; one submission).

Conditions:
SCN8A-related disorder.

Submission:

PreventionGenetics, part of Exact Sciences
Classification: Likely benign for SCN8A-related condition. Last evaluated: 2021-04-19. Review status: no assertion criteria provided. Collection method: clinical testing. Allele origin: germline.
Comment: This variant is classified as likely benign based on ACMG/AMP sequence variant interpretation guidelines (Richards et al. 2015 PMID: 25741868, with internal and published modifications).